The following is an entry in ClinVar:

ClinVar aggregate classification (germline): Uncertain significance. Review status: criteria provided, multiple submitters, no conflicts (2 of 4 stars). 6 submissions from 6 submitters: Uncertain significance (5). 1 of the submissions does not count toward it. Last evaluated 2026-02-13.

Conditions:
VPS13B-related disorder. Also called: VPS13B-related condition.
Inborn genetic diseases. Identifiers: MedGen C0950123, MeSH D030342.
Cohen syndrome (COH1). Also called: Cutis verticis gyrata, retinitis pigmentosa, and sensorineural deafness; PEPPER SYNDROME. Identifiers: Orphanet 193, MedGen C0265223, MONDO:0008999, OMIM 216550.

Allele frequency attached by ClinVar (database versions not stated): ExAC 0.00001; gnomAD exomes 0.00001; gnomAD 0.00013 and 0.00015; 1000 Genomes Project 30x 0.00031; TOPMed 0.00039; 1000 Genomes Project 0.00040.
gnomAD v4.1: 43 of 1,613,570 alleles (0.0027%); highest among the groups gnomAD compares: Admixed American, 0.057%; no homozygotes.

Submissions (6):

PreventionGenetics, part of Exact Sciences
Classification: Uncertain significance for VPS13B-related condition. Last evaluated: 2026-02-13. Review status: criteria provided, single submitter. Criteria: ACMG Guidelines, 2015. Collection method: clinical testing. Allele origin: germline.
Comment: The VPS13B c.4254T>G variant is predicted to result in the amino acid substitution p.His1418Gln. To our knowledge, this variant has not been reported in the literature. This variant is reported in 0.0058% of alleles in individuals of Latino descent in gnomAD. At this time, the clinical significance of this variant is uncertain due to the absence of conclusive functional and genetic evidence.

Blueprint Genetics
Classification: Uncertain significance. Last evaluated: 2024-10-10. Review status: criteria provided, single submitter. Criteria: ACMG Guidelines, 2015. Collection method: clinical testing. Allele origin: germline.

Ambry Genetics
Classification: Uncertain significance for Inborn genetic diseases. Last evaluated: 2023-12-28. Review status: criteria provided, single submitter. Criteria: Ambry Variant Classification Scheme 2023. Collection method: clinical testing. Allele origin: germline.

Labcorp Genetics (formerly Invitae), Labcorp
Classification: Uncertain significance for Cohen syndrome. Last evaluated: 2022-08-19. Review status: criteria provided, single submitter. Criteria: Invitae Variant Classification Sherloc (09022015). Collection method: clinical testing. Allele origin: germline.
Comment: This sequence change replaces histidine, which is basic and polar, with glutamine, which is neutral and polar, at codon 1443 of the VPS13B protein (p.His1443Gln). This variant is present in population databases (rs201349007, gnomAD 0.006%). This variant has not been reported in the literature in individuals affected with VPS13B-related conditions. ClinVar contains an entry for this variant (Variation ID: 626047). Algorithms developed to predict the effect of missense changes on protein structure and function are either unavailable or do not agree on the potential impact of this missense change (SIFT: "Not Available"; PolyPhen-2: "Probably Damaging"; Align-GVGD: "Not Available"). In summary, the available evidence is currently insufficient to determine the role of this variant in disease. Therefore, it has been classified as a Variant of Uncertain Significance.

Center for Genomics, Ann and Robert H. Lurie Children's Hospital of Chicago
Classification: Uncertain significance for Cohen syndrome. Last evaluated: 2021-03-30. Review status: criteria provided, single submitter. Criteria: ACMG Guidelines, 2015. Collection method: clinical testing. Allele origin: germline.
Comment: VPS13B NM_017890 exon 29 p.His1443Gln (c.4329T>G): This variant has not been reported in the literature but is present in 2/33552 Latino alleles in the Genome Aggregation Database. Evolutionary conservation and computational predictive tools for this variant are unclear. In summary, data on this variant is insufficient for disease classification. Therefore, the clinical significance of this variant is uncertain.

Natera, Inc.
Classification: Uncertain significance for Cohen syndrome. Last evaluated: 2020-04-16. Review status: no assertion criteria provided. Collection method: clinical testing. Allele origin: germline. Not counted in ClinVar's aggregate classification.

NM_152564.5(VPS13B):c.4254T>G (p.His1418Gln)

Gene: VPS13B (vacuolar protein sorting 13 homolog B; plus strand). Cytogenetic location: 8q22.2.
Variant type: single nucleotide variant.
Coding change: c.4254T>G on transcript NM_152564.5 (MANE Select); coding-DNA position 4254, T replaced by G.
Protein change: p.His1418Gln; replaces histidine 1418 with glutamine.
Molecular consequence: missense variant.
Genome position (GRCh38, 1-based): chr8:99,511,133, T>G. VCF-style: chr8-99511133-T-G. GRCh37 (hg19) VCF-style: chr8-100523361-T-G.
Other names: c.4329T>G, p.His1443Gln (NM_017890.5); c.4254T>G (NM_152564.4); short protein forms H1418Q, H1443Q.
Identifiers: ClinVar variation 626047 (VCV000626047.12), dbSNP rs201349007, ClinGen allele CA4823505.